The following is an entry in ClinVar:

ClinVar aggregate classification (germline): Uncertain significance (1 of 4 stars; one submission).

Conditions:
Norman-Roberts syndrome (LIS2). Also called: Lissencephaly 2 (Norman-Roberts type). Identifiers: Orphanet 89844, MedGen C0796089, MONDO:0009760, OMIM 257320.
Familial temporal lobe epilepsy 7. Identifiers: Orphanet 101046, MedGen C4225327, MONDO:0014639, OMIM 616436.

Allele frequency attached by ClinVar (database versions not stated): gnomAD exomes below 0.00001; TOPMed below 0.00001; gnomAD 0.00001.
gnomAD v4.1: 3 of 1,613,218 alleles (0.00019%); highest among the groups gnomAD compares: Non-Finnish European, 0.00025%; no homozygotes.

Submission:

Labcorp Genetics (formerly Invitae), Labcorp
Classification: Uncertain significance for Familial temporal lobe epilepsy 7; Norman-Roberts syndrome. Last evaluated: 2023-06-18. Review status: criteria provided, single submitter. Criteria: Invitae Variant Classification Sherloc (09022015). Collection method: clinical testing. Allele origin: germline.
Comment: In summary, the available evidence is currently insufficient to determine the role of this variant in disease. Therefore, it has been classified as a Variant of Uncertain Significance. Advanced modeling of protein sequence and biophysical properties (such as structural, functional, and spatial information, amino acid conservation, physicochemical variation, residue mobility, and thermodynamic stability) performed at Invitae indicates that this missense variant is not expected to disrupt RELN protein function. ClinVar contains an entry for this variant (Variation ID: 1374915). This variant has not been reported in the literature in individuals affected with RELN-related conditions. This variant is present in population databases (no rsID available, gnomAD 0.007%). This sequence change replaces proline, which is neutral and non-polar, with glutamine, which is neutral and polar, at codon 2587 of the RELN protein (p.Pro2587Gln).

NM_005045.4(RELN):c.7760C>A (p.Pro2587Gln)

Gene: RELN (reelin; minus strand). Cytogenetic location: 7q22.1.
Variant type: single nucleotide variant.
Coding change: c.7760C>A on transcript NM_005045.4 (MANE Select); coding-DNA position 7760, C replaced by A.
Protein change: p.Pro2587Gln; replaces proline 2587 with glutamine.
Molecular consequence: missense variant.
Genome position (GRCh38, 1-based): chr7:103,519,425, G>T on the plus strand (C>A on the coding strand, the complement: RELN is on the minus strand). VCF-style: chr7-103519425-G-T. GRCh37 (hg19) VCF-style: chr7-103159872-G-T.
Other names: c.7760C>A, p.Pro2587Gln (NM_173054.3); short protein forms P2587Q.
Identifiers: ClinVar variation 1374915 (VCV001374915.8), dbSNP rs1455056584, ClinGen allele CA368765072.
Genomic context (GRCh38, chr7:103,519,425, plus strand): 5'-TTCCAGGTAATGCCTCCATTGACAGAATATTCCAAGAGAACACCTTGGTTACGGTTGTTT[G>T]GTGTAATCAGGCACCCATACATGAAGTAAAATTGGATGAACTCAGCATTAGTGAGGTTTA-3'
Protein context (NP_005036.2, residues 2577-2597): FYFMYGCLIT[Pro2587Gln]NNRNQGVLLE